The following is an entry in ClinVar:

ClinVar aggregate classification (germline): Uncertain significance (1 of 4 stars; one submission).

Conditions:
Cataract 38. Also called: Cataract, autosomal recessive congenital 5; Cataract 38, autosomal recessive. Identifiers: Orphanet 91492, MedGen C3553494, MONDO:0013859, OMIM 614691.
Sengers syndrome. Also called: MITOCHONDRIAL DNA DEPLETION SYNDROME 10 (CARDIOMYOPATHIC TYPE); Cardiomyopathy and cataract. Identifiers: Orphanet 1369, MedGen C1859317, MONDO:0008922, OMIM 212350.

Allele frequency attached by ClinVar (database versions not stated): TOPMed below 0.00001; gnomAD 0.00001; gnomAD exomes 0.00001.
gnomAD v4.1: 5 of 1,613,484 alleles (0.00031%); highest among the groups gnomAD compares: Admixed American, 0.0083%; no homozygotes.

Submission:

Labcorp Genetics (formerly Invitae), Labcorp
Classification: Uncertain significance for Sengers syndrome; Cataract 38. Last evaluated: 2022-07-30. Review status: criteria provided, single submitter. Criteria: Invitae Variant Classification Sherloc (09022015). Collection method: clinical testing. Allele origin: germline.
Comment: This sequence change replaces valine, which is neutral and non-polar, with methionine, which is neutral and non-polar, at codon 118 of the AGK protein (p.Val118Met). This variant is not present in population databases (gnomAD no frequency). This variant has not been reported in the literature in individuals affected with AGK-related conditions. Algorithms developed to predict the effect of missense changes on protein structure and function output the following: SIFT: "Tolerated"; PolyPhen-2: "Benign"; Align-GVGD: "Class C0". The methionine amino acid residue is found in multiple mammalian species, which suggests that this missense change does not adversely affect protein function. In summary, the available evidence is currently insufficient to determine the role of this variant in disease. Therefore, it has been classified as a Variant of Uncertain Significance.

NM_018238.4(AGK):c.352G>A (p.Val118Met)

Gene: AGK (acylglycerol kinase; plus strand). Cytogenetic location: 7q34.
Variant type: single nucleotide variant.
Coding change: c.352G>A on transcript NM_018238.4 (MANE Select); coding-DNA position 352, G replaced by A.
Protein change: p.Val118Met; replaces valine 118 with methionine.
Molecular consequence: missense variant.
Genome position (GRCh38, 1-based): chr7:141,611,249, G>A. VCF-style: chr7-141611249-G-A. GRCh37 (hg19) VCF-style: chr7-141311049-G-A.
Other names: c.352G>A, p.Val118Met (NM_001364948.3); short protein forms V118M.
Identifiers: ClinVar variation 2154522 (VCV002154522.1), dbSNP rs989006017, ClinGen allele CA168067646.